The following is an entry in ClinVar:

ClinVar aggregate classification (germline): Conflicting classifications of pathogenicity. Review status: criteria provided, conflicting classifications (1 of 4 stars). 17 submissions from 17 submitters: Pathogenic (1); Likely pathogenic (4); Uncertain significance (10). 2 of the submissions do not count toward it. Last evaluated 2026-01-13.

Conditions:
Inborn genetic diseases. Identifiers: MedGen C0950123, MeSH D030342.
Neuronal ceroid lipofuscinosis 1 (CLN1). Also called: CEROID LIPOFUSCINOSIS, NEURONAL, 1, VARIABLE AGE AT ONSET; PPT1-Related Neuronal Ceroid-Lipofuscinosis. Identifiers: Orphanet 228329, MedGen C1850451, MONDO:0009744, OMIM 256730.
Intellectual disability. Also called: Intellectual functioning disability; intellectual disabilities; Intellectual developmental disorder. Identifiers: MedGen C3714756, MeSH D008607, MONDO:0001071, HP:0001249.

Allele frequency attached by ClinVar (database versions not stated): gnomAD 0.00012 and 0.00010; ESP Exome Variant Server 0.00015; ExAC 0.00018; TOPMed 0.00008; gnomAD exomes 0.00019.
gnomAD v4.1: 303 of 1,613,988 alleles (0.019%); highest among the groups gnomAD compares: Middle Eastern, 0.12%; no homozygotes.

Submissions (17):

Labcorp Genetics (formerly Invitae), Labcorp
Classification: Pathogenic for Neuronal ceroid lipofuscinosis 1. Last evaluated: 2026-01-13. Review status: criteria provided, single submitter. Criteria: Invitae Variant Classification Sherloc (09022015). Collection method: clinical testing. Allele origin: germline.
Comment: This sequence change replaces asparagine, which is neutral and polar, with serine, which is neutral and polar, at codon 110 of the PPT1 protein (p.Asn110Ser). This variant is present in population databases (rs142894102, gnomAD 0.06%). This missense change has been observed in individual(s) with neuronal ceroid lipofuscinosis (PMID: 30541466). ClinVar contains an entry for this variant (Variation ID: 196249). Invitae Evidence Modeling of protein sequence and biophysical properties (such as structural, functional, and spatial information, amino acid conservation, physicochemical variation, residue mobility, and thermodynamic stability) indicates that this missense variant is expected to disrupt PPT1 protein function with a positive predictive value of 80%. For these reasons, this variant has been classified as Pathogenic.

Myriad Genetics, Inc.
Classification: Uncertain significance for Neuronal ceroid lipofuscinosis 1. Last evaluated: 2025-12-26. Review status: criteria provided, single submitter. Criteria: Myriad Autosomal Dominant, Autosomal Recessive and X-Linked Classification Criteria (2023). Collection method: clinical testing. Allele origin: unknown.
Comment: NM_000310.3(PPT1):c.329A>G(N110S) is a missense variant classified as a variant of uncertain significance in the context of neuronal ceroid lipofuscinosis, PPT1-related. N110S has been observed in cases with relevant disease (PMID: 30541466). Relevant functional assessments of this variant are not available in the literature. N110S has been observed in referenced population frequency databases. In summary, there is insufficient evidence to classify NM_000310.3(PPT1):c.329A>G(N110S) as pathogenic or benign. Please note: this variant was assessed in the context of healthy population screening.

Women's Health and Genetics/Laboratory Corporation of America, LabCorp
Classification: Uncertain significance. Last evaluated: 2025-05-20. Review status: criteria provided, single submitter. Criteria: LabCorp Variant Classification Summary - May 2015. Collection method: clinical testing. Allele origin: germline.
Comment: Variant summary: PPT1 c.329A>G (p.Asn110Ser) results in a conservative amino acid change in the encoded protein sequence. Algorithms developed to predict the effect of missense changes on protein structure and function are either unavailable or do not agree on the potential impact of this missense change. The variant allele was found at a frequency of 0.00019 in 1613988 control chromosomes. This frequency is not significantly higher than estimated for a pathogenic variant in PPT1 causing Neuronal Ceroid-Lipofuscinosis (Batten Disease) (0.00019 vs 0.0014), allowing no conclusion about variant significance. c.329A>G has been observed in a homozygous individual affected with Neuronal Ceroid-Lipofuscinosis (Batten Disease) (Sheth_2018). These data indicate that the variant may be associated with disease. In addition, the variant has also been reported as a heterozygous genotype in an individual affected with cognitive impairment, ADHD, and epilepsy (Atli_2022). Thus, these reports do not allow for significant association with disease. At least one publication reports experimental evidence evaluating an impact on protein function. The most pronounced variant effect results in 10%-<30% of normal activity (Sheth_2018). The following publications have been ascertained in the context of this evaluation (PMID: 33528079, 30541466, 35693655). ClinVar contains an entry for this variant (Variation ID: 196249). Based on the evidence outlined above, the variant was classified as uncertain significance.

First Genomix Gene Laboratory, Genetic Diagnostics Department
Classification: Likely pathogenic for Neuronal ceroid lipofuscinosis 1. Last evaluated: 2025-03-27. Review status: criteria provided, single submitter. Criteria: ACMG Guidelines, 2015. Collection method: clinical testing. Allele origin: germline. Inheritance: Autosomal recessive inheritance. Affected: no. Observed: 1 variant allele.

GeneDx
Classification: Uncertain significance. Last evaluated: 2025-03-25. Review status: criteria provided, single submitter. Criteria: GeneDx Variant Classification Process June 2021. Collection method: clinical testing. Allele origin: germline. Affected: yes.
Comment: Reported in the heterozygous state in a patient with cognitive impairment, ADHD, and epilepsy in the published literature; however, a second PPT1 variant was not identified (PMID: 33528079); Observed in a homozygous state in a patient with episodic torticollis and sudden cardiac arrest who also harbored another homozygous variant in a gene related to the phenotype (PMID: 35693655); In silico analysis supports that this missense variant has a deleterious effect on protein structure/function; This variant is associated with the following publications: (PMID: 34426522, 30541466, 33528079, Bhavsar2016[CaseReport], 35693655)

Genomic Medicine Center of Excellence, King Faisal Specialist Hospital and Research Centre
Classification: Likely pathogenic for Neuronal ceroid lipofuscinosis 1. Last evaluated: 2024-12-19. Review status: criteria provided, single submitter. Criteria: ACMG Guidelines, 2015. Collection method: clinical testing. Allele origin: germline.

Blueprint Genetics
Classification: Uncertain significance. Last evaluated: 2024-11-22. Review status: criteria provided, single submitter. Criteria: ACMG Guidelines, 2015. Collection method: clinical testing. Allele origin: germline.

Revvity Omics, Revvity
Classification: Uncertain significance for Neuronal ceroid lipofuscinosis 1. Last evaluated: 2024-02-02. Review status: criteria provided, single submitter. Criteria: ACMG Guidelines, 2015. Collection method: clinical testing. Allele origin: germline.

Fulgent Genetics
Classification: Uncertain significance for Neuronal ceroid lipofuscinosis 1. Last evaluated: 2022-04-01. Review status: criteria provided, single submitter. Criteria: ACMG Guidelines, 2015. Collection method: clinical testing. Allele origin: unknown.

Department of Pathology and Laboratory Medicine, Sinai Health System
Classification: Uncertain significance for Neuronal ceroid lipofuscinosis 1. Last evaluated: 2022-03-15. Review status: criteria provided, single submitter. Criteria: ACMG Guidelines, 2015. Collection method: research. Allele origin: germline.

Ambry Genetics
Classification: Uncertain significance for Inborn genetic diseases. Last evaluated: 2021-07-08. Review status: criteria provided, single submitter. Criteria: Ambry Variant Classification Scheme 2023. Collection method: clinical testing. Allele origin: germline.
Comment: The c.329A>G (p.N110S) alteration is located in exon 3 (coding exon 3) of the PPT1 gene. This alteration results from a A to G substitution at nucleotide position 329, causing the asparagine (N) at amino acid position 110 to be replaced by a serine (S). The in silico prediction for the p.N110S alteration is inconclusive. Based on insufficient or conflicting evidence, the clinical significance of this alteration remains unclear.

Genomic Research Center, Shahid Beheshti University of Medical Sciences
Classification: Uncertain significance for Neuronal ceroid lipofuscinosis 1. Last evaluated: 2017-12-03. Review status: criteria provided, single submitter. Criteria: ACMG Guidelines, 2015. Collection method: clinical testing. Allele origin: inherited. Affected: yes.

Eurofins Ntd Llc (ga)
Classification: Uncertain significance. Last evaluated: 2014-08-22. Review status: criteria provided, single submitter. Criteria: EGL Classification Definitions 2015. Collection method: clinical testing. Allele origin: germline. Observed: 1 variant allele, 1 heterozygote.

Kariminejad - Najmabadi Pathology & Genetics Center
Classification: Likely pathogenic for Neuronal ceroid lipofuscinosis 1. Review status: criteria provided, single submitter. Criteria: ACMG Guidelines, 2015. Collection method: clinical testing. Allele origin: germline. Affected: no.

Neuberg Centre For Genomic Medicine, NCGM
Classification: Likely pathogenic for Neuronal ceroid lipofuscinosis 1. Review status: criteria provided, single submitter. Criteria: ACMG Guidelines, 2015. Collection method: clinical testing. Allele origin: germline. Inheritance: Autosomal recessive inheritance. Affected: yes.
Comment: The observed missense c.329A>G (p.Asn110Ser) variant in PPT1 gene has been reported previously in multiple individuals affected with PPT1-related disorders (Sheth et al., 2018; Atli et al., 2022; Ozturk et al., 2022). The p.Asn110Ser variant is present with allele frequency of 0.02% in gnomAD Exomes. This variant has been submitted to the ClinVar database as Pathogenic/ Uncertain Significance (multiple submissions). Multiple lines of computational evidence (Polyphen - Probably Damaging, SIFT - Damaging and MutationTaster - Disease causing) predict a damaging effect on protein structure and function for this variant. The reference amino acid of p.Asn110Ser in PPT1 is predicted as conserved by GERP++ and PhyloP across 100 vertebrates. The amino acid Asn at position 110 is changed to a Ser changing protein sequence and it might alter its composition and physico-chemical properties. Additional functional studies will be required to prove the pathogenicity of this variant. For these reasons, this variant has been classified as Likely Pathogenic.

Natera, Inc.
Classification: Uncertain significance for Neuronal ceroid lipofuscinosis 1. Last evaluated: 2020-09-16. Review status: no assertion criteria provided. Collection method: clinical testing. Allele origin: germline. Not counted in ClinVar's aggregate classification.

Centre de Biologie Pathologie Génétique, Centre Hospitalier Universitaire de Lille
Classification: Uncertain significance for Intellectual disability. Last evaluated: 2019-01-01. Review status: no assertion criteria provided. Collection method: clinical testing. Allele origin: unknown. Affected: yes. Not counted in ClinVar's aggregate classification.

Literature cited by the submitters: PubMed 30541466 (cited by 3 submitters); PubMed 33528079 (cited by Women's Health and Genetics/Laboratory Corporation of America, LabCorp); PubMed 35693655 (cited by Women's Health and Genetics/Laboratory Corporation of America, LabCorp).

NM_000310.4(PPT1):c.329A>G (p.Asn110Ser)

Gene: PPT1 (palmitoyl-protein thioesterase 1; minus strand). Cytogenetic location: 1p34.2.
Variant type: single nucleotide variant.
Coding change: c.329A>G on transcript NM_000310.4 (MANE Select); coding-DNA position 329, A replaced by G.
Protein change: p.Asn110Ser; replaces asparagine 110 with serine.
Molecular consequence: missense variant. On other transcripts: intron variant (1).
Genome position (GRCh38, 1-based): chr1:40,092,078, T>C on the plus strand (A>G on the coding strand, the complement: PPT1 is on the minus strand). VCF-style: chr1-40092078-T-C. GRCh37 (hg19) VCF-style: chr1-40557750-T-C.
Other names: p.N110S:AAT>AGT; c.329A>G, p.Asn110Ser (NM_001363695.2); c.125-2566A>G (NM_001142604.2); short protein forms N110S.
Identifiers: ClinVar variation 196249 (VCV000196249.33), dbSNP rs142894102, ClinGen allele CA243138.
Genomic context (GRCh38, chr1:40,092,078, plus strand): 5'-GGTACAATATAACAAAAAGGAACGTACAGAAATTGGCCTCCCTGGGAGAATCCCATAGCA[T>C]TGTAGCCTTGCTGCAATTTAGGATCCTTAGCAAGTGCCTGACACACTGTTGTTACTTGGG-3'
Protein context (NP_000301.1, residues 100-120): AKDPKLQQGY[Asn110Ser]AMGFSQGGQF